The following is an entry in ClinVar:

ClinVar aggregate classification (germline): Pathogenic (1 of 4 stars; one submission).

Conditions:
Hereditary hemorrhagic telangiectasia (HHT). Also called: ORW DISEASE; Osler Weber Rendu syndrome; OSLER-RENDU-WEBER DISEASE; Osler hemorrhagic telangiectasia syndrome. Identifiers: Orphanet 774, MedGen C0039445, MONDO:0019180. Disease mechanism: loss of function.

Submission:

Labcorp Genetics (formerly Invitae), Labcorp
Classification: Pathogenic for Hereditary hemorrhagic telangiectasia. Last evaluated: 2018-12-18. Review status: criteria provided, single submitter. Criteria: Invitae Variant Classification Sherloc (09022015). Collection method: clinical testing. Allele origin: germline.
Comment: This variant is a gross deletion of the genomic region encompassing exon 1 of the ENG gene, which includes the initiator codon. The 5' end of this event is unknown as it extends beyond the assayed region for this gene and therefore may encompass additional genes. The 3' boundary is likely confined to intron 1 of the ENG gene. This is expected to result in an absent or disrupted protein product. A similar deletion of exon 1 has been reported in a family affected with hereditary hemorrhagic telangiectasiaÂ¬â€ (PMID: 24267784). Loss-of-function variants in ENG are known to be pathogenic (PMID: 15879500, 20656886, 22385575). For these reasons, this variant has been classified as Pathogenic.

Literature cited by the submitters: PubMed 24267784.

NC_000009.12:g.(?_127854279)_(127854482_?)del

Gene: ENG (endoglin; minus strand). Cytogenetic location: 9q34.11.
Variant type: Deletion.
Identifiers: ClinVar variation 650717 (VCV000650717.1).